The following is an entry in ClinVar:

ClinVar aggregate classification (germline): Uncertain significance (1 of 4 stars; one submission).

Submission:

Labcorp Genetics (formerly Invitae), Labcorp
Classification: Uncertain significance. Last evaluated: 2023-02-10. Review status: criteria provided, single submitter. Criteria: Invitae Variant Classification Sherloc (09022015). Collection method: clinical testing. Allele origin: germline.
Comment: This sequence change replaces proline, which is neutral and non-polar, with alanine, which is neutral and non-polar, at codon 56 of the MRPS16 protein (p.Pro56Ala). This variant is not present in population databases (gnomAD no frequency). This variant has not been reported in the literature in individuals affected with MRPS16-related conditions. Algorithms developed to predict the effect of missense changes on protein structure and function (SIFT, PolyPhen-2, Align-GVGD) all suggest that this variant is likely to be disruptive. In summary, the available evidence is currently insufficient to determine the role of this variant in disease. Therefore, it has been classified as a Variant of Uncertain Significance.

NM_016065.4(MRPS16):c.166C>G (p.Pro56Ala)

Genes: DNAJC9-AS1 (DNAJC9 and MRPS16 antisense RNA 1; plus strand), MRPS16 (mitochondrial ribosomal protein S16; minus strand). Cytogenetic location: 10q22.2.
Variant type: single nucleotide variant.
Coding change: c.166C>G on transcript NM_016065.4 (MANE Select); coding-DNA position 166, C replaced by G.
Protein change: p.Pro56Ala; replaces proline 56 with alanine.
Molecular consequence: missense variant.
Genome position (GRCh38, 1-based): chr10:73,251,871, G>C on the plus strand (C>G on the coding strand, the complement: MRPS16 is on the minus strand). VCF-style: chr10-73251871-G-C. GRCh37 (hg19) VCF-style: chr10-75011629-G-C.
Other names: c.166C>G, p.Pro56Ala (NM_001410935.1); short protein forms P56A.
Identifiers: ClinVar variation 2827721 (VCV002827721.3), dbSNP rs2493361124, ClinGen allele CA377193104.
Genomic context (GRCh38, chr10:73,251,871, plus strand): 5'-AATGACGGATCCTGTCTAGGTTGAGGGCAACGAGTTTTTCTCCATGACTGTTGGGCAATG[G>C]ATCATAGGAGCCCAGCTGCTCTACGAAACGGCCATCCCTGGGACACTTGTTGTGAGCAGC-3'
Protein context (NP_057149.1, residues 46-66): RFVEQLGSYD[Pro56Ala]LPNSHGEKLV